The following is an entry in ClinVar:

NM_013318.4(PRRC2B):c.2273C>T (p.Pro758Leu)

Gene: PRRC2B (proline rich coiled-coil 2B; plus strand). Cytogenetic location: 9q34.13.
Variant type: single nucleotide variant.
Coding change: c.2273C>T on transcript NM_013318.4 (MANE Select); coding-DNA position 2273, C replaced by T.
Protein change: p.Pro758Leu; replaces proline 758 with leucine.
Molecular consequence: missense variant.
Genome position (GRCh38, 1-based): chr9:131,473,673, C>T. VCF-style: chr9-131473673-C-T. GRCh37 (hg19) VCF-style: chr9-134349060-C-T.
Other names: c.2273C>T, p.Pro758Leu (NM_001384818.1, NM_001384821.1, NM_001384822.1 and 1 more transcripts); short protein forms P758L.
Identifiers: ClinVar variation 2216674 (VCV002216674.25), dbSNP rs771120179, ClinGen allele CA5291751.

ClinVar aggregate classification (germline): Conflicting classifications of pathogenicity. Review status: criteria provided, conflicting classifications (1 of 4 stars). 2 submissions from 2 submitters: Uncertain significance (1); Likely benign (1). Last evaluated 2025-01-16.

Allele frequency attached by ClinVar (database versions not stated): gnomAD 0.00001; TOPMed 0.00002; gnomAD exomes below 0.00001; ExAC 0.00001.
gnomAD v4.1: 9 of 1,613,622 alleles (0.00056%); highest among the groups gnomAD compares: East Asian, 0.0022%; no homozygotes.

Submissions (2):

Ambry Genetics
Classification: Uncertain significance. Last evaluated: 2025-01-16. Review status: criteria provided, single submitter. Criteria: Ambry Variant Classification Scheme 2023. Collection method: clinical testing. Allele origin: germline.

CeGaT Center for Human Genetics Tuebingen
Classification: Likely benign. Last evaluated: 2024-01-01. Review status: criteria provided, single submitter. Criteria: CeGaT Center For Human Genetics Tuebingen Variant Classification Criteria Version 2. Collection method: clinical testing. Allele origin: germline. Affected: yes. Observed: 1 variant allele.
Comment: PRRC2B: BP4